The following is an entry in ClinVar:

ClinVar aggregate classification (germline): Conflicting classifications of pathogenicity. Review status: criteria provided, conflicting classifications (1 of 4 stars). 9 submissions from 8 submitters: Likely pathogenic (4); Uncertain significance (5). Last evaluated 2025-05-22.

Conditions:
Diabetes mellitus, permanent neonatal 3. Also called: ABCC8-Related Permanent Neonatal Diabetes Mellitus. Identifiers: MedGen C5394303, MONDO:0030088, OMIM 618857.
Type 2 diabetes mellitus. Also called: Type II diabetes mellitus. Identifiers: MedGen C0011860, MeSH D003924, MONDO:0005148, OMIM 125853, HP:0005978.
Leucine-induced hypoglycemia (LIH). Also called: LEUCINE-SENSITIVE HYPOGLYCEMIA OF INFANCY. Identifiers: MedGen C0271714, MONDO:0009415, OMIM 240800.
Hyperinsulinemic hypoglycemia, familial, 1 (HHF1). Also called: NESIDIOBLASTOSIS OF PANCREAS; HYPERINSULINISM, FAMILIAL, WITH PANCREATIC NESIDIOBLASTOSIS; HYPOGLYCEMIA, HYPERINSULINEMIC, OF INFANCY; Persistent Hyperinsulinemia Hypoglycemia of Infancy; Persistent hyperinsulinemic hypoglycemia of infancy. Identifiers: Orphanet 276575, Orphanet 276598, MedGen C2931832, MONDO:0009734, OMIM 256450.
Diabetes mellitus, transient neonatal, 2 (TNDM2). Identifiers: Orphanet 99886, MedGen C1835887, MONDO:0012480, OMIM 610374. Disease mechanism: loss of function.
Transitory neonatal diabetes mellitus. Also called: Transient neonatal diabetes mellitus. Identifiers: MedGen C0342273, MONDO:0020525, HP:0008255.
Maturity-onset diabetes of the young (MODY). Also called: Maturity onset diabetes mellitus in young. Identifiers: Orphanet 552, MedGen C0342276, MONDO:0018911, HP:0004904.

Allele frequency attached by ClinVar (database versions not stated): TOPMed below 0.00001; gnomAD exomes below 0.00001 and 0.00001.
gnomAD v4.1: 15 of 1,613,650 alleles (0.00093%); highest among the groups gnomAD compares: Middle Eastern, 0.018%; no homozygotes.

Submissions (9):

First Genomix Gene Laboratory, Genetic Diagnostics Department
Classification: Likely pathogenic for Diabetes mellitus, permanent neonatal 3; Hyperinsulinemic hypoglycemia, familial, 1. Last evaluated: 2025-05-22. Review status: criteria provided, single submitter. Criteria: ACMG Guidelines, 2015. Collection method: clinical testing. Allele origin: germline. Inheritance: Autosomal recessive inheritance. Affected: no. Observed: 1 variant allele.

Labcorp Genetics (formerly Invitae), Labcorp
Classification: Uncertain significance. Last evaluated: 2025-02-17. Review status: criteria provided, single submitter. Criteria: Invitae Variant Classification Sherloc (09022015). Collection method: clinical testing. Allele origin: germline.
Comment: This sequence change replaces tyrosine, which is neutral and polar, with cysteine, which is neutral and slightly polar, at codon 539 of the ABCC8 protein (p.Tyr539Cys). This variant is present in population databases (rs193922397, gnomAD 0.002%). This missense change has been observed in individual(s) with clinical features of ABCC8-related conditions (PMID: 34462253, 37007940). ClinVar contains an entry for this variant (Variation ID: 35606). Invitae Evidence Modeling of protein sequence and biophysical properties (such as structural, functional, and spatial information, amino acid conservation, physicochemical variation, residue mobility, and thermodynamic stability) indicates that this missense variant is expected to disrupt ABCC8 protein function with a positive predictive value of 80%. In summary, the available evidence is currently insufficient to determine the role of this variant in disease. Therefore, it has been classified as a Variant of Uncertain Significance.

Revvity Omics, Revvity
Classification: Uncertain significance. Last evaluated: 2024-07-08. Review status: criteria provided, single submitter. Criteria: ACMG Guidelines, 2015. Collection method: clinical testing. Allele origin: germline.

Fulgent Genetics
Classification: Likely pathogenic for Type 2 diabetes mellitus; Leucine-induced hypoglycemia; Hyperinsulinemic hypoglycemia, familial, 1; Diabetes mellitus, transient neonatal, 2; Diabetes mellitus, permanent neonatal 3. Last evaluated: 2024-06-22. Review status: criteria provided, single submitter. Criteria: ACMG Guidelines, 2015. Collection method: clinical testing. Allele origin: germline.

Women's Health and Genetics/Laboratory Corporation of America, LabCorp
Classification: Likely pathogenic for Maturity-onset diabetes of the young. Last evaluated: 2023-05-04. Review status: criteria provided, single submitter. Criteria: LabCorp Variant Classification Summary - May 2015. Collection method: clinical testing. Allele origin: germline.
Comment: Variant summary: ABCC8 c.1616A>G (p.Tyr539Cys) results in a non-conservative amino acid change located in the ABC transporter type 1, transmembrane domain (IPR011527) of the encoded protein sequence. Five of five in-silico tools predict a damaging effect of the variant on protein function. The variant allele was found at a frequency of 8e-06 in 623158 control chromosomes (gnomAD and Billings_2022). c.1616A>G has been reported in the literature in individuals affected with Maturity Onset Diabetes Of The Young (MODY), including one individual with MODY who had an extensive family history of diabetes inherited in an autosomal dominant pattern, however family members were unavailable for genetic testing (e.g. Ates_2021, Ustay_2022, Gokcay Canpolat_2022 (no PMID), Schmidt_2023). These data indicate that the variant is likely to be associated with disease. To our knowledge, no experimental evidence demonstrating an impact on protein function has been reported. The following publications have been ascertained in the context of this evaluation (PMID: 34462253, 36208030, 35029855, 37007940). One clinical diagnostic laboratory has submitted a clinical-significance assessment for this variant to ClinVar after 2014 without evidence for independent evaluation and classified the variant as uncertain significance. Based on the evidence outlined above, the variant was classified as likely pathogenic.

Clinical Genomics, Uppaluri K&H Personalized Medicine Clinic
Classification: Uncertain significance for Maturity-onset diabetes of the young. Review status: criteria provided, single submitter. Criteria: K & H Uppaluri Personalized Medicine Clinic Variant Classification & Assertion Criteria_Updated V.1. Collection method: research. Allele origin: unknown. Inheritance: Somatic mutation.
Comment: Mutations in ABCC8 gene are associated with both neonatal diabetes mellitus as well as MODY. Patients with this mutation may have a better response to sulfonylureas. However, no sufficient evidence is found to ascertain the role of this particular variant ( rs193922397) in MODY yet.

Clinical Genomics, Uppaluri K&H Personalized Medicine Clinic
Classification: Uncertain significance for Transitory neonatal diabetes mellitus. Review status: criteria provided, single submitter. Criteria: K & H Uppaluri Personalized Medicine Clinic Variant Classification & Assertion Criteria_Updated V.1. Collection method: research. Allele origin: unknown. Inheritance: Somatic mutation.
Comment: Mutations in ABCC8 gene are associated with both neonatal diabetes mellitus as well as MODY. Patients with this mutation may have a better response to sulfonylureas. However, no sufficient evidence is found to ascertain the role of this particular variant ( rs193922397) in neonatal diabetes yet.

Kariminejad - Najmabadi Pathology & Genetics Center
Classification: Likely pathogenic for Hyperinsulinemic hypoglycemia, familial, 1. Review status: criteria provided, single submitter. Criteria: ACMG Guidelines, 2015. Collection method: clinical testing. Allele origin: germline. Affected: no.

Neuberg Centre For Genomic Medicine, NCGM
Classification: Uncertain significance for Diabetes mellitus, transient neonatal, 2. Review status: criteria provided, single submitter. Criteria: ACMG Guidelines, 2015. Collection method: clinical testing. Allele origin: germline. Affected: yes.
Comment: The missense variant p.Y539C in ABCC8 (NM_000352.6) has been reported previously as a Likely pathogenic variant in ClinVar database but no details are provided for independent assesment. The p.Y539C variant is observed in 1/1,13,558 (0.0009%) alleles from individuals of European (Non-Finnish) background in gnomAD Exomes and is novel (not in any individuals) in 1000 Genomes. There is a large physicochemical difference between tyrosine and cysteine, which is likely to impact secondary protein structure as these residues differ in polarity, charge, size and/or other properties. For these reasons, this variant has been classified as Uncertain Significance

Literature cited by the submitters: PubMed 34462253 (cited by Labcorp Genetics (formerly Invitae), Labcorp and Women's Health and Genetics/Laboratory Corporation of America, LabCorp); PubMed 37007940 (cited by Labcorp Genetics (formerly Invitae), Labcorp and Women's Health and Genetics/Laboratory Corporation of America, LabCorp); PubMed 36208030 (cited by Women's Health and Genetics/Laboratory Corporation of America, LabCorp); PubMed 35029855 (cited by Women's Health and Genetics/Laboratory Corporation of America, LabCorp); PubMed 16885549 (cited by Clinical Genomics, Uppaluri K&H Personalized Medicine Clinic); PubMed 21989597 (cited by Clinical Genomics, Uppaluri K&H Personalized Medicine Clinic); PubMed 27538677 (cited by Clinical Genomics, Uppaluri K&H Personalized Medicine Clinic); PubMed 18981553 (cited by Clinical Genomics, Uppaluri K&H Personalized Medicine Clinic); PubMed 32027066 (cited by Clinical Genomics, Uppaluri K&H Personalized Medicine Clinic); PubMed 16613899 (cited by Clinical Genomics, Uppaluri K&H Personalized Medicine Clinic); PubMed 18025408 (cited by Clinical Genomics, Uppaluri K&H Personalized Medicine Clinic); PubMed 32792356 (cited by Clinical Genomics, Uppaluri K&H Personalized Medicine Clinic).

NM_000352.6(ABCC8):c.1616A>G (p.Tyr539Cys)

Gene: ABCC8 (ATP binding cassette subfamily C member 8; minus strand). Cytogenetic location: 11p15.1.
Variant type: single nucleotide variant.
Coding change: c.1616A>G on transcript NM_000352.6 (MANE Select); coding-DNA position 1616, A replaced by G.
Protein change: p.Tyr539Cys; replaces tyrosine 539 with cysteine.
Molecular consequence: missense variant. On other transcripts: non-coding transcript variant (1).
Genome position (GRCh38, 1-based): chr11:17,442,734, T>C on the plus strand (A>G on the coding strand, the complement: ABCC8 is on the minus strand). VCF-style: chr11-17442734-T-C. GRCh37 (hg19) VCF-style: chr11-17464281-T-C.
Other names: c.1616A>G (NM_000352.4, NM_000352.5); c.1616A>G, p.Tyr539Cys (NM_001287174.3, NM_001351295.2); c.1613A>G, p.Tyr538Cys (NM_001351296.2, NM_001351297.2); c.[1616A>G] (NM_000352.6); short protein forms Y539C, Y538C.
Identifiers: ClinVar variation 35606 (VCV000035606.13), dbSNP rs193922397, ClinGen allele CA213441.